The following is an entry in ClinVar:

ClinVar aggregate classification (germline): Uncertain significance. Review status: criteria provided, multiple submitters, no conflicts (2 of 4 stars). 8 submissions from 8 submitters: Uncertain significance (5). 3 of the submissions do not count toward it. Last evaluated 2025-03-26.

Conditions:
FRAS1-related disorder. Also called: FRAS1-related condition.
Fraser syndrome 1 (FRASRS1). Also called: CRYPTOPHTHALMOS WITH OTHER MALFORMATIONS. Identifiers: Orphanet 2052, MedGen C4551480, MONDO:0054737, OMIM 219000.

Allele frequency attached by ClinVar (database versions not stated): ESP Exome Variant Server 0.00016; TOPMed 0.00019; gnomAD 0.00025 and 0.00027; gnomAD exomes 0.00034 and 0.00037; ExAC 0.00048.
gnomAD v4.1: 540 of 1,613,888 alleles (0.033%); highest among the groups gnomAD compares: Non-Finnish European, 0.039%; 2 homozygotes.

Submissions (8):

GeneDx
Classification: Uncertain significance. Last evaluated: 2025-03-26. Review status: criteria provided, single submitter. Criteria: GeneDx Variant Classification Process June 2021. Collection method: clinical testing. Allele origin: germline. Affected: yes.
Comment: In silico analysis supports that this missense variant has a deleterious effect on protein structure/function; Has not been previously published as pathogenic or benign to our knowledge

Blueprint Genetics
Classification: Uncertain significance. Last evaluated: 2024-06-24. Review status: criteria provided, single submitter. Criteria: ACMG Guidelines, 2015. Collection method: clinical testing. Allele origin: germline.

Labcorp Genetics (formerly Invitae), Labcorp
Classification: Uncertain significance. Last evaluated: 2022-05-09. Review status: criteria provided, single submitter. Criteria: Invitae Variant Classification Sherloc (09022015). Collection method: clinical testing. Allele origin: germline.
Comment: This sequence change replaces aspartic acid, which is acidic and polar, with asparagine, which is neutral and polar, at codon 3411 of the FRAS1 protein (p.Asp3411Asn). This variant is present in population databases (rs200203389, gnomAD 0.07%). This variant has not been reported in the literature in individuals affected with FRAS1-related conditions. ClinVar contains an entry for this variant (Variation ID: 1299269). Algorithms developed to predict the effect of missense changes on protein structure and function are either unavailable or do not agree on the potential impact of this missense change (SIFT: "Deleterious"; PolyPhen-2: "Probably Damaging"; Align-GVGD: "Class C15"). In summary, the available evidence is currently insufficient to determine the role of this variant in disease. Therefore, it has been classified as a Variant of Uncertain Significance.

Fulgent Genetics
Classification: Uncertain significance for Fraser syndrome 1. Last evaluated: 2022-04-19. Review status: criteria provided, single submitter. Criteria: ACMG Guidelines, 2015. Collection method: clinical testing. Allele origin: unknown.

Department of Pathology and Laboratory Medicine, Sinai Health System
Classification: Uncertain significance for Fraser syndrome 1. Last evaluated: 2021-07-30. Review status: criteria provided, single submitter. Criteria: ACMG Guidelines, 2015. Collection method: research. Allele origin: germline.

PreventionGenetics, part of Exact Sciences
Classification: Uncertain significance for FRAS1-related condition. Last evaluated: 2024-02-15. Review status: no assertion criteria provided. Collection method: clinical testing. Allele origin: germline. Not counted in ClinVar's aggregate classification.
Comment: The FRAS1 c.10231G>A variant is predicted to result in the amino acid substitution p.Asp3411Asn. To our knowledge, this variant has not been reported in the literature. This variant is reported in 0.072% of alleles in individuals of European (Finnish) descent in gnomAD, which is likely too common for an undocumented disease-causing variant. Although we suspect that this variant may be benign, at this time, the clinical significance of this variant is uncertain due to the absence of conclusive functional and genetic evidence.

Clinical Genetics DNA and cytogenetics Diagnostics Lab, Erasmus MC, Erasmus Medical Center
Classification: Uncertain significance. Review status: no assertion criteria provided. Collection method: clinical testing. Allele origin: germline. Affected: yes. Study: VKGL Data-share Consensus. Not counted in ClinVar's aggregate classification.

Diagnostic Laboratory, Department of Genetics, University Medical Center Groningen
Classification: Uncertain significance. Review status: no assertion criteria provided. Collection method: clinical testing. Allele origin: germline. Affected: yes. Study: VKGL Data-share Consensus. Not counted in ClinVar's aggregate classification.

NM_025074.7(FRAS1):c.10231G>A (p.Asp3411Asn)

Gene: FRAS1 (Fraser extracellular matrix complex subunit 1; plus strand). Cytogenetic location: 4q21.21.
Variant type: single nucleotide variant.
Coding change: c.10231G>A on transcript NM_025074.7 (MANE Select); coding-DNA position 10231, G replaced by A.
Protein change: p.Asp3411Asn; replaces aspartic acid 3411 with asparagine.
Molecular consequence: missense variant.
Genome position (GRCh38, 1-based): chr4:78,515,855, G>A. VCF-style: chr4-78515855-G-A. GRCh37 (hg19) VCF-style: chr4-79437009-G-A.
Other names: c.10231G>A (NM_025074.6); short protein forms D3411N.
Identifiers: ClinVar variation 1299269 (VCV001299269.10), dbSNP rs200203389, ClinGen allele CA2978894.
Genomic context (GRCh38, chr4:78,515,855, plus strand): 5'-GCAGAGGCAGGGTTCCTGGATGATGTGGTCTATGATAGCACTGCCCTGGGGCCTGGCTAC[G>A]ATCGCCCCTTCCAGTTTGACCCCAGCGTGCGAGAGCCGAAGACCATCCAGCTCTACAAAC-3'
Protein context (NP_079350.5, residues 3401-3421): YDSTALGPGY[Asp3411Asn]RPFQFDPSVR